The following is an entry in ClinVar:

NM_020366.4(RPGRIP1):c.2710G>A (p.Gly904Ser)

Gene: RPGRIP1 (RPGR interacting protein 1; plus strand). Cytogenetic location: 14q11.2.
Variant type: single nucleotide variant.
Coding change: c.2710G>A on transcript NM_020366.4 (MANE Select); coding-DNA position 2710, G replaced by A.
Protein change: p.Gly904Ser; replaces glycine 904 with serine.
Molecular consequence: missense variant. On other transcripts: intron variant (4).
Genome position (GRCh38, 1-based): chr14:21,326,173, G>A. VCF-style: chr14-21326173-G-A. GRCh37 (hg19) VCF-style: chr14-21794332-G-A.
Other names: c.1636G>A, p.Gly546Ser (NM_001377948.1); c.796+1448G>A (NM_001377949.1); c.689-1450G>A (NM_001377523.1, NM_001377950.1); c.191-1450G>A (NM_001377951.1); short protein forms G546S, G904S.
Identifiers: ClinVar variation 1361837 (VCV001361837.8), dbSNP rs918924266, ClinGen allele CA257536144.
Genomic context (GRCh38, chr14:21,326,173, plus strand): 5'-TCGTATCTTGGCCGAGCCCGAGTGCCTTTACTGCCTCTTGCAAAAAATGAATCTATCAAA[G>A]GTGGGAGTTCGAGGTTATTACATCTTCACGCCCTCTTCCCAGTGTTGTCTCCCTGTCCTG-3'
Protein context (NP_065099.3, residues 894-914): LPLAKNESIK[Gly904Ser]DFNLTDPAEK

ClinVar aggregate classification (germline): Uncertain significance (1 of 4 stars; one submission).

Conditions:
Leber congenital amaurosis 6 (LCA6). Identifiers: Orphanet 65, MedGen C1854260, MONDO:0013446, OMIM 613826.
Cone-rod dystrophy 13 (CORD13). Identifiers: Orphanet 1872, MedGen C2750720, MONDO:0011987, OMIM 608194.

gnomAD v4.1: 1 of 1,558,216 alleles (0.000064%); highest among the groups gnomAD compares: South Asian, 0.0012%; no homozygotes.

Submission:

Labcorp Genetics (formerly Invitae), Labcorp
Classification: Uncertain significance for Leber congenital amaurosis 6; Cone-rod dystrophy 13. Last evaluated: 2022-07-19. Review status: criteria provided, single submitter. Criteria: Invitae Variant Classification Sherloc (09022015). Collection method: clinical testing. Allele origin: germline.
Comment: ClinVar contains an entry for this variant (Variation ID: 1361837). This variant has not been reported in the literature in individuals affected with RPGRIP1-related conditions. This variant is not present in population databases (gnomAD no frequency). This sequence change replaces glycine, which is neutral and non-polar, with serine, which is neutral and polar, at codon 904 of the RPGRIP1 protein (p.Gly904Ser). This variant also falls at the last nucleotide of exon 16, which is part of the consensus splice site for this exon. Algorithms developed to predict the effect of missense changes on protein structure and function (SIFT, PolyPhen-2, Align-GVGD) all suggest that this variant is likely to be disruptive. In summary, the available evidence is currently insufficient to determine the role of this variant in disease. Therefore, it has been classified as a Variant of Uncertain Significance. Variants that disrupt the consensus splice site are a relatively common cause of aberrant splicing (PMID: 17576681, 9536098). Algorithms developed to predict the effect of sequence changes on RNA splicing suggest that this variant may disrupt the consensus splice site.

Literature cited by the submitters: PubMed 17576681; PubMed 9536098.